The following is an entry in ClinVar:

ClinVar aggregate classification (germline): Uncertain significance (1 of 4 stars; one submission).

gnomAD v4.1: 1 of 1,613,528 alleles (0.000062%); highest among the groups gnomAD compares: Non-Finnish European, 0.000085%; no homozygotes.

Submission:

Labcorp Genetics (formerly Invitae), Labcorp
Classification: Uncertain significance. Last evaluated: 2024-05-22. Review status: criteria provided, single submitter. Criteria: Invitae Variant Classification Sherloc (09022015). Collection method: clinical testing. Allele origin: germline.
Comment: This sequence change replaces leucine, which is neutral and non-polar, with serine, which is neutral and polar, at codon 3016 of the MYCBP2 protein (p.Leu3016Ser). This variant is not present in population databases (gnomAD no frequency). This variant has not been reported in the literature in individuals affected with MYCBP2-related conditions. An algorithm developed to predict the effect of missense changes on protein structure and function (PolyPhen-2) suggests that this variant is likely to be tolerated. In summary, the available evidence is currently insufficient to determine the role of this variant in disease. Therefore, it has been classified as a Variant of Uncertain Significance.

NM_015057.5(MYCBP2):c.9047T>C (p.Leu3016Ser)

Gene: MYCBP2 (MYC binding protein 2; minus strand). Cytogenetic location: 13q22.3.
Variant type: single nucleotide variant.
Coding change: c.9047T>C on transcript NM_015057.5 (MANE Select); coding-DNA position 9047, T replaced by C.
Protein change: p.Leu3016Ser; replaces leucine 3016 with serine.
Molecular consequence: missense variant.
Genome position (GRCh38, 1-based): chr13:77,098,107, A>G on the plus strand (T>C on the coding strand, the complement: MYCBP2 is on the minus strand). VCF-style: chr13-77098107-A-G. GRCh37 (hg19) VCF-style: chr13-77672242-A-G.
Other names: short protein forms L3016S.
Identifiers: ClinVar variation 3700141 (VCV003700141.2).